The following is an entry in ClinVar:

ClinVar aggregate classification (germline): Uncertain significance (1 of 4 stars; one submission).

Conditions:
ANOS1-related disorder. Also called: ANOS1-related condition.

gnomAD v4.1: 13 of 1,199,901 alleles (0.0011%); highest among the groups gnomAD compares: East Asian, 0.036%; no homozygotes.

Submission:

PreventionGenetics, part of Exact Sciences
Classification: Uncertain significance for ANOS1-related condition. Last evaluated: 2025-04-24. Review status: criteria provided, single submitter. Criteria: ACMG Guidelines, 2015. Collection method: clinical testing. Allele origin: germline.
Comment: The ANOS1 c.275A>G variant is predicted to result in the amino acid substitution p.Glu92Gly. To our knowledge, this variant has not been reported in the literature. This variant is reported in 0.044% of alleles in individuals of East Asian descent in gnomAD. Although we suspect that this variant may be benign, at this time, the clinical significance of this variant is uncertain due to the absence of conclusive functional and genetic evidence.

NM_000216.4(ANOS1):c.275A>G (p.Glu92Gly)

Gene: ANOS1 (anosmin 1; minus strand). Cytogenetic location: Xp22.31.
Variant type: single nucleotide variant.
Coding change: c.275A>G on transcript NM_000216.4 (MANE Select); coding-DNA position 275, A replaced by G.
Protein change: p.Glu92Gly; replaces glutamic acid 92 with glycine.
Molecular consequence: missense variant.
Genome position (GRCh38, 1-based): chrX:8,623,651, T>C on the plus strand (A>G on the coding strand, the complement: ANOS1 is on the minus strand). VCF-style: chrX-8623651-T-C. GRCh37 (hg19) VCF-style: chrX-8591692-T-C.
Other names: c.275A>G, p.Glu92Gly (NM_001440775.1); short protein forms E92G.
Identifiers: ClinVar variation 4983526 (VCV004983526.1).